The following is an entry in ClinVar:

NM_002519.3(NPAT):c.1479T>G (p.Asn493Lys)

Gene: NPAT (nuclear protein, coactivator of histone transcription; minus strand). Cytogenetic location: 11q22.3.
Variant type: single nucleotide variant.
Coding change: c.1479T>G on transcript NM_002519.3 (MANE Select); coding-DNA position 1479, T replaced by G.
Protein change: p.Asn493Lys; replaces asparagine 493 with lysine.
Molecular consequence: missense variant.
Genome position (GRCh38, 1-based): chr11:108,173,505, A>C on the plus strand (T>G on the coding strand, the complement: NPAT is on the minus strand). VCF-style: chr11-108173505-A-C. GRCh37 (hg19) VCF-style: chr11-108044232-A-C.
Other names: c.1479T>G, p.Asn493Lys (NM_001321307.1); short protein forms N493K.
Identifiers: ClinVar variation 2587653 (VCV002587653.2), dbSNP rs2496721152, ClinGen allele CA382515089.

ClinVar aggregate classification (germline): Uncertain significance (1 of 4 stars; one submission).

gnomAD v4.1: 1 of 1,614,188 alleles (0.000062%); highest among the groups gnomAD compares: Non-Finnish European, 0.000085%; no homozygotes.

Submission:

Ambry Genetics
Classification: Uncertain significance. Last evaluated: 2023-06-24. Review status: criteria provided, single submitter. Criteria: Ambry Variant Classification Scheme 2023. Collection method: clinical testing. Allele origin: germline.
Comment: The p.N493K variant (also known as c.1479T>G), located in coding exon 13 of the NPAT gene, results from a T to G substitution at nucleotide position 1479. The asparagine at codon 493 is replaced by lysine, an amino acid with similar properties. This amino acid position is conserved. In addition, this alteration is predicted to be tolerated by in silico analysis. Since supporting evidence is limited at this time, the clinical significance of this alteration remains unclear.